The following is an entry in ClinVar:

ClinVar aggregate classification (germline): Benign. Review status: criteria provided, multiple submitters, no conflicts (2 of 4 stars). 3 submissions from 3 submitters: Benign (2). 1 of the submissions does not count toward it. Last evaluated 2019-12-31.

Conditions:
SLC17A9-related disorder. Also called: SLC17A9-related condition.

Allele frequency attached by ClinVar (database versions not stated): gnomAD exomes 0.00316; ExAC 0.00387; gnomAD 0.01257 and 0.01355; ESP Exome Variant Server 0.01285; TOPMed 0.01462; 1000 Genomes Project 0.01717; 1000 Genomes Project 30x 0.01718.
gnomAD v4.1: 3,629 of 1,614,078 alleles (0.22%); highest among the groups gnomAD compares: African/African-American, 4.3%; 80 homozygotes.

Submissions (3):

Labcorp Genetics (formerly Invitae), Labcorp
Classification: Benign. Last evaluated: 2019-12-31. Review status: criteria provided, single submitter. Criteria: Invitae Variant Classification Sherloc (09022015). Collection method: clinical testing. Allele origin: germline.

Breakthrough Genomics
Classification: Benign. Review status: criteria provided, single submitter. Criteria: ACMG Guidelines, 2015. Collection method: not provided. Allele origin: germline. Inheritance: Autosomal dominant inheritance. Affected: yes.

PreventionGenetics, part of Exact Sciences
Classification: Benign for SLC17A9-related condition. Last evaluated: 2019-11-14. Review status: no assertion criteria provided. Collection method: clinical testing. Allele origin: germline. Not counted in ClinVar's aggregate classification.
Comment: This variant is classified as benign based on ACMG/AMP sequence variant interpretation guidelines (Richards et al. 2015 PMID: 25741868, with internal and published modifications).

NM_022082.4(SLC17A9):c.554G>C (p.Ser185Thr)

Gene: SLC17A9 (solute carrier family 17 member 9; plus strand). Cytogenetic location: 20q13.33.
Variant type: single nucleotide variant.
Coding change: c.554G>C on transcript NM_022082.4 (MANE Select); coding-DNA position 554, G replaced by C.
Protein change: p.Ser185Thr; replaces serine 185 with threonine.
Molecular consequence: missense variant.
Genome position (GRCh38, 1-based): chr20:62,962,680, G>C. VCF-style: chr20-62962680-G-C. GRCh37 (hg19) VCF-style: chr20-61594032-G-C.
Other names: c.536G>C, p.Ser179Thr (NM_001302643.2); short protein forms S185T, S179T.
Identifiers: ClinVar variation 777611 (VCV000777611.7), dbSNP rs57995756, ClinGen allele CA9952944.